The following is an entry in ClinVar:

NM_032043.3(BRIP1):c.1970G>A (p.Gly657Asp)

Gene: BRIP1 (BRCA1 interacting DNA helicase 1; minus strand). Cytogenetic location: 17q23.2.
Variant type: single nucleotide variant.
Coding change: c.1970G>A on transcript NM_032043.3 (MANE Select); coding-DNA position 1970, G replaced by A.
Protein change: p.Gly657Asp; replaces glycine 657 with aspartic acid.
Molecular consequence: missense variant.
Genome position (GRCh38, 1-based): chr17:61,776,528, C>T on the plus strand (G>A on the coding strand, the complement: BRIP1 is on the minus strand). VCF-style: chr17-61776528-C-T. GRCh37 (hg19) VCF-style: chr17-59853889-C-T.
Other names: short protein forms G657D.
Identifiers: ClinVar variation 820443 (VCV000820443.16), dbSNP rs1603328878, ClinGen allele CA400478524.
Genomic context (GRCh38, chr17:61,776,528, plus strand): 5'-CCCACTTCATCTTGGAACTCAAATGTTTCAGTATTCTGGAAGGTAGCACAGAGATTCCGA[C>T]CCTTGGGGCCTGACCCAATGGTACCAACCCAAACCTAGAATATGAATATGTCATTATTAG-3'
Protein context (NP_114432.2, residues 647-667): WVGTIGSGPK[Gly657Asp]RNLCATFQNT

ClinVar aggregate classification (germline): Uncertain significance. Review status: criteria provided, multiple submitters, no conflicts (2 of 4 stars). 2 submissions from 2 submitters: Uncertain significance (2). Last evaluated 2025-01-29.

Conditions:
Familial cancer of breast. Also called: Hereditary breast cancer; hereditary breast carcinoma; BREAST CANCER, FAMILIAL. Identifiers: Orphanet 227535, MedGen C0346153, MONDO:0016419, OMIM 114480. Disease mechanism: loss of function.
Fanconi anemia complementation group J. Also called: BRIP1-Related Fanconi Anemia. Identifiers: Orphanet 84, MedGen C1836860, MONDO:0012187, OMIM 609054.
Hereditary cancer-predisposing syndrome. Also called: Hereditary Cancer Syndrome; Neoplastic Syndromes, Hereditary; Hereditary neoplastic syndrome; Tumor predisposition. Identifiers: Orphanet 140162, MedGen C0027672, MeSH D009386, MONDO:0015356.

Allele frequency attached by ClinVar (database versions not stated): TOPMed below 0.00001.
gnomAD v4.1: 1 of 1,614,116 alleles (0.000062%); no homozygotes.

Submissions (2):

Labcorp Genetics (formerly Invitae), Labcorp
Classification: Uncertain significance for Familial cancer of breast; Fanconi anemia complementation group J. Last evaluated: 2025-01-29. Review status: criteria provided, single submitter. Criteria: Invitae Variant Classification Sherloc (09022015). Collection method: clinical testing. Allele origin: germline.
Comment: This sequence change replaces glycine, which is neutral and non-polar, with aspartic acid, which is acidic and polar, at codon 657 of the BRIP1 protein (p.Gly657Asp). This variant is not present in population databases (gnomAD no frequency). This variant has not been reported in the literature in individuals affected with BRIP1-related conditions. ClinVar contains an entry for this variant (Variation ID: 820443). Invitae Evidence Modeling of protein sequence and biophysical properties (such as structural, functional, and spatial information, amino acid conservation, physicochemical variation, residue mobility, and thermodynamic stability) has been performed for this missense variant. However, the output from this modeling did not meet the statistical confidence thresholds required to predict the impact of this variant on BRIP1 protein function. In summary, the available evidence is currently insufficient to determine the role of this variant in disease. Therefore, it has been classified as a Variant of Uncertain Significance.

Ambry Genetics
Classification: Uncertain significance for Hereditary cancer-predisposing syndrome. Last evaluated: 2024-10-29. Review status: criteria provided, single submitter. Criteria: Ambry Variant Classification Scheme 2023. Collection method: clinical testing. Allele origin: germline.
Comment: The p.G657D variant (also known as c.1970G>A), located in coding exon 13 of the BRIP1 gene, results from a G to A substitution at nucleotide position 1970. The glycine at codon 657 is replaced by aspartic acid, an amino acid with similar properties. This amino acid position is highly conserved in available vertebrate species. In addition, this alteration is predicted to be deleterious by in silico analysis. Since supporting evidence is limited at this time, the clinical significance of this alteration remains unclear.